The following is an entry in ClinVar:

NM_005732.4(RAD50):c.1890T>A (p.Phe630Leu)

Gene: RAD50 (RAD50 double strand break repair protein; plus strand). Cytogenetic location: 5q31.1.
Variant type: single nucleotide variant.
Coding change: c.1890T>A on transcript NM_005732.4 (MANE Select); coding-DNA position 1890, T replaced by A.
Protein change: p.Phe630Leu; replaces phenylalanine 630 with leucine.
Molecular consequence: missense variant.
Genome position (GRCh38, 1-based): chr5:132,594,965, T>A. VCF-style: chr5-132594965-T-A. GRCh37 (hg19) VCF-style: chr5-131930657-T-A.
Other names: short protein forms F630L.
Identifiers: ClinVar variation 1022580 (VCV001022580.9), dbSNP rs1750763563, ClinGen allele CA360948015.

ClinVar aggregate classification (germline): Uncertain significance (1 of 4 stars; one submission).

Conditions:
Hereditary cancer-predisposing syndrome. Also called: Hereditary Cancer Syndrome; Neoplastic Syndromes, Hereditary; Tumor predisposition; Hereditary neoplastic syndrome. Identifiers: Orphanet 140162, MedGen C0027672, MeSH D009386, MONDO:0015356.

Submission:

Labcorp Genetics (formerly Invitae), Labcorp
Classification: Uncertain significance for Hereditary cancer-predisposing syndrome. Last evaluated: 2020-05-22. Review status: criteria provided, single submitter. Criteria: Invitae Variant Classification Sherloc (09022015). Collection method: clinical testing. Allele origin: germline.
Comment: In summary, the available evidence is currently insufficient to determine the role of this variant in disease. Therefore, it has been classified as a Variant of Uncertain Significance. Algorithms developed to predict the effect of missense changes on protein structure and function (SIFT, PolyPhen-2, Align-GVGD) all suggest that this variant is likely to be tolerated, but these predictions have not been confirmed by published functional studies and their clinical significance is uncertain. This variant has not been reported in the literature in individuals with RAD50-related conditions. This variant is not present in population databases (ExAC no frequency). This sequence change replaces phenylalanine with leucine at codon 630 of the RAD50 protein (p.Phe630Leu). The phenylalanine residue is moderately conserved and there is a small physicochemical difference between phenylalanine and leucine.